The following is an entry in ClinVar:

ClinVar aggregate classification (germline): Uncertain significance (1 of 4 stars; one submission).

Conditions:
Autosomal dominant polycystic kidney disease. Identifiers: Orphanet 730, MedGen C0085413, MONDO:0004691.

Allele frequency attached by ClinVar (database versions not stated): TOPMed below 0.00001; gnomAD 0.00001; ExAC 0.00002.
gnomAD v4.1: 33 of 1,613,112 alleles (0.002%); highest among the groups gnomAD compares: South Asian, 0.0055%; no homozygotes.

Submission:

Labcorp Genetics (formerly Invitae), Labcorp
Classification: Uncertain significance for Autosomal dominant polycystic kidney disease. Last evaluated: 2023-07-19. Review status: criteria provided, single submitter. Criteria: Invitae Variant Classification Sherloc (09022015). Collection method: clinical testing. Allele origin: germline.
Comment: This variant is present in population databases (rs768360131, gnomAD 0.01%). This variant has not been reported in the literature in individuals affected with PKD2-related conditions. Advanced modeling of protein sequence and biophysical properties (such as structural, functional, and spatial information, amino acid conservation, physicochemical variation, residue mobility, and thermodynamic stability) performed at Invitae indicates that this missense variant is not expected to disrupt PKD2 protein function. In summary, the available evidence is currently insufficient to determine the role of this variant in disease. Therefore, it has been classified as a Variant of Uncertain Significance. This sequence change replaces arginine, which is basic and polar, with glutamine, which is neutral and polar, at codon 730 of the PKD2 protein (p.Arg730Gln).

NM_000297.4(PKD2):c.2189G>A (p.Arg730Gln)

Gene: PKD2 (polycystin 2, transient receptor potential cation channel; plus strand). Cytogenetic location: 4q22.1.
Variant type: single nucleotide variant.
Coding change: c.2189G>A on transcript NM_000297.4 (MANE Select); coding-DNA position 2189, G replaced by A.
Protein change: p.Arg730Gln; replaces arginine 730 with glutamine.
Molecular consequence: missense variant. On other transcripts: non-coding transcript variant (1).
Genome position (GRCh38, 1-based): chr4:88,065,444, G>A. VCF-style: chr4-88065444-G-A. GRCh37 (hg19) VCF-style: chr4-88986596-G-A.
Other names: short protein forms R730Q.
Identifiers: ClinVar variation 2906722 (VCV002906722.3), dbSNP rs768360131, ClinGen allele CA3004157.
Genomic context (GRCh38, chr4:88,065,444, plus strand): 5'-AAGCTTTGGTCAAACTAAAACTGAAAAAAAATACCGTGGATGACATTTCAGAGAGTCTGC[G>A]GCAAGGAGGAGGCAAGTTAAACTTTGACGAACTTCGACAAGATCTCAAAGGGTGAGAATC-3'
Protein context (NP_000288.1, residues 720-740): NTVDDISESL[Arg730Gln]QGGGKLNFDE